The following is an entry in ClinVar:

ClinVar aggregate classification (germline): Uncertain significance (1 of 4 stars; one submission).

Submission:

GeneDx
Classification: Uncertain significance. Last evaluated: 2023-01-20. Review status: criteria provided, single submitter. Criteria: GeneDx Variant Classification Process June 2021. Collection method: clinical testing. Allele origin: germline. Affected: yes.
Comment: Not observed at significant frequency in large population cohorts (gnomAD); In silico analysis supports that this missense variant has a deleterious effect on protein structure/function; Has not been previously published as pathogenic or benign to our knowledge

NM_000334.4(SCN4A):c.3625T>G (p.Cys1209Gly)

Genes: GH-LCR (growth hormone locus control region; plus strand), SCN4A (sodium voltage-gated channel alpha subunit 4; minus strand). Cytogenetic location: 17q23.3.
Variant type: single nucleotide variant.
Coding change: c.3625T>G on transcript NM_000334.4 (MANE Select); coding-DNA position 3625, T replaced by G.
Protein change: p.Cys1209Gly; replaces cysteine 1209 with glycine.
Molecular consequence: missense variant.
Genome position (GRCh38, 1-based): chr17:63,945,455, A>C on the plus strand (T>G on the coding strand, the complement: SCN4A is on the minus strand). VCF-style: chr17-63945455-A-C. GRCh37 (hg19) VCF-style: chr17-62022815-A-C.
Other names: short protein forms C1209G.
Identifiers: ClinVar variation 2573748 (VCV002573748.1), dbSNP rs1598406692, ClinGen allele CA400617881.